The following is an entry in ClinVar:

NM_001374385.1(ATP8B1):c.1057G>T (p.Ala353Ser)

Gene: ATP8B1 (ATPase phospholipid transporting 8B1; minus strand). Cytogenetic location: 18q21.31.
Variant type: single nucleotide variant.
Coding change: c.1057G>T on transcript NM_001374385.1 (MANE Select); coding-DNA position 1057, G replaced by T.
Protein change: p.Ala353Ser; replaces alanine 353 with serine.
Molecular consequence: missense variant.
Genome position (GRCh38, 1-based): chr18:57,691,970, C>A on the plus strand (G>T on the coding strand, the complement: ATP8B1 is on the minus strand). VCF-style: chr18-57691970-C-A. GRCh37 (hg19) VCF-style: chr18-55359202-C-A.
Other names: c.907G>T, p.Ala303Ser (NM_001374386.1); c.1057G>T, p.Ala353Ser (NM_005603.6); short protein forms A303S, A353S.
Identifiers: ClinVar variation 3242049 (VCV003242049.1), dbSNP rs2511757873.

ClinVar aggregate classification (germline): Uncertain significance (1 of 4 stars; one submission).

Conditions:
Progressive familial intrahepatic cholestasis type 1. Also called: BYLER DISEASE; Byler's disease; Severe ATP8B1 Deficiency (Progressive Familial Intrahepatic Cholestasis Type 1 [PFIC1]). Identifiers: Orphanet 79306, MedGen C4551898, MONDO:0008892, OMIM 211600.

Submission:

Neuberg Centre For Genomic Medicine, NCGM
Classification: Uncertain significance for Progressive familial intrahepatic cholestasis type 1. Review status: criteria provided, single submitter. Criteria: ACMG Guidelines, 2015. Collection method: clinical testing. Allele origin: germline. Inheritance: Autosomal recessive inheritance. Affected: yes.
Comment: The missense variant c.1057G>T (p.Ala353Ser) in the ATP8B1 gene has not been reported previously as a pathogenic variant nor as a benign variant, to our knowledge. This variant is absent in the gnomAD Exomes. The amino acid Alanine at position 353 is changed to a Serine changing protein sequence and it might alter its composition and physico-chemical properties. The variant is predicted as damaging by SIFT. The amino acid change p.Ala353Ser in ATP8B1 is predicted as conserved by GERP++ and PhyloP across 100 vertebrates. For these reasons, this variant has been classified as Uncertain Significance. In the absence of another reportable variant, the molecular diagnosis is not confirmed.